The following is an entry in ClinVar:

ClinVar aggregate classification (germline): Pathogenic. Review status: criteria provided, single submitter (1 of 4 stars). 2 submissions from 2 submitters: Pathogenic (1). 1 of the submissions does not count toward it. Last evaluated 2022-09-16.

Conditions:
Tuberous sclerosis syndrome (TSC). Also called: Tuberous Sclerosis Complex; Tuberous sclerosis. Identifiers: Orphanet 805, MedGen C0041341, MONDO:0001734.
Tuberous sclerosis 1 (TSC1). Identifiers: Orphanet 805, MedGen C1854465, MONDO:0008612, OMIM 191100.

Submissions (2):

Labcorp Genetics (formerly Invitae), Labcorp
Classification: Pathogenic for Tuberous sclerosis 1. Last evaluated: 2022-09-16. Review status: criteria provided, single submitter. Criteria: Invitae Variant Classification Sherloc (09022015). Collection method: clinical testing. Allele origin: germline.
Comment: For these reasons, this variant has been classified as Pathogenic. Algorithms developed to predict the effect of sequence changes on RNA splicing suggest that this variant may disrupt the consensus splice site. ClinVar contains an entry for this variant (Variation ID: 48777). This variant has not been reported in the literature in individuals affected with TSC1-related conditions. This variant is not present in population databases (gnomAD no frequency). This sequence change creates a premature translational stop signal (p.Pro460Glnfs*4) in the TSC1 gene. It is expected to result in an absent or disrupted protein product. Loss-of-function variants in TSC1 are known to be pathogenic (PMID: 10227394, 17304050).

Tuberous sclerosis database (TSC1)
No classification provided. Condition: TSC. Review status: no classification provided. Criteria: Tuberous Sclerosis Database Assertion Criteria 2015. Collection method: curation. Allele origin: germline. Affected: yes. Not counted in ClinVar's aggregate classification.

Literature cited by the submitters: PubMed 10227394 (cited by Labcorp Genetics (formerly Invitae), Labcorp); PubMed 17304050 (cited by Labcorp Genetics (formerly Invitae), Labcorp).

NM_000368.5(TSC1):c.1379del (p.Pro460fs)

Gene: TSC1 (TSC complex subunit 1; minus strand). Cytogenetic location: 9q34.13.
Variant type: Deletion.
Coding change: c.1379del on transcript NM_000368.5 (MANE Select); coding-DNA position 1379, one base deleted (C; older notation c.1379delC).
Protein change: p.Pro460fs; shifts the reading frame from proline 460.
Molecular consequence: frameshift variant.
Genome position (GRCh38, 1-based): chr9:132,906,790, G deleted on the plus strand (C on the coding strand, the reverse complement: TSC1 is on the minus strand); the first of 2 consecutive G bases (chr9:132,906,790-132,906,791); deleting either gives the same sequence. VCF-style (leftmost placement, unchanged base first): chr9-132906789-TG-T. GRCh37 (hg19) VCF-style: chr9-135782176-TG-T.
Other names: c.1379delC (NM_000368.4); c.1376del, p.Pro459fs (NM_001162426.2); c.1226del, p.Pro409fs (NM_001162427.2); c.1016del, p.Pro339fs (NM_001362177.2); short protein forms P339fs, P459fs, P409fs, P460fs.
Identifiers: ClinVar variation 48777 (VCV000048777.6), dbSNP rs118203525, ClinGen allele CA004768.